The following is an entry in ClinVar:

ClinVar aggregate classification (germline): Benign. Review status: criteria provided, multiple submitters, no conflicts (2 of 4 stars). 5 submissions from 5 submitters: Benign (5). Last evaluated 2024-11-27.

Conditions:
Primary ciliary dyskinesia 5. Also called: CILIARY DYSKINESIA, PRIMARY, 5, WITHOUT SITUS INVERSUS. Identifiers: Orphanet 244, MedGen C1837615, MONDO:0012088, OMIM 608647.

Allele frequency attached by ClinVar (database versions not stated): ESP Exome Variant Server 0.99373; gnomAD 0.99691; TOPMed 0.99730; 1000 Genomes Project 30x 0.99875; 1000 Genomes Project 0.99900.

Submissions (5):

Blueprint Genetics
Classification: Benign. Last evaluated: 2024-11-27. Review status: criteria provided, single submitter. Criteria: ACMG Guidelines, 2015. Collection method: clinical testing. Allele origin: germline.

Genome-Nilou Lab
Classification: Benign for Primary ciliary dyskinesia 5. Last evaluated: 2021-08-10. Review status: criteria provided, single submitter. Criteria: ACMG Guidelines, 2015. Collection method: clinical testing. Allele origin: germline. Affected: no.

GeneDx
Classification: Benign. Last evaluated: 2021-05-20. Review status: criteria provided, single submitter. Criteria: GeneDx Variant Classification Process June 2021. Collection method: clinical testing. Allele origin: germline. Affected: yes.

Laboratory for Molecular Medicine, Mass General Brigham Personalized Medicine
Classification: Benign. Last evaluated: 2016-03-28. Review status: criteria provided, single submitter. Criteria: LMM Criteria. Collection method: clinical testing. Allele origin: germline.
Comment: Variant identified in a genome or exome case(s) and assessed due to predicted null impact of the variant or pathogenic assertions in the literature or databases. Disclaimer: This variant has not undergone full assessment. The following are preliminary notes: MAF

Breakthrough Genomics
Classification: Benign. Review status: criteria provided, single submitter. Criteria: ACMG Guidelines, 2015. Collection method: not provided. Allele origin: germline. Inheritance: Autosomal recessive inheritance. Affected: yes.

NM_001270974.2(HYDIN):c.7364C>A (p.Pro2455Gln)

Gene: HYDIN (HYDIN axonemal central pair apparatus protein; minus strand). Cytogenetic location: 16q22.2.
Variant type: single nucleotide variant.
Coding change: c.7364C>A on transcript NM_001270974.2 (MANE Select); coding-DNA position 7364, C replaced by A.
Protein change: p.Pro2455Gln; replaces proline 2455 with glutamine.
Molecular consequence: missense variant.
Genome position (GRCh38, 1-based): chr16:70,921,012, G>T on the plus strand (C>A on the coding strand, the complement: HYDIN is on the minus strand). VCF-style: chr16-70921012-G-T. GRCh37 (hg19) VCF-style: chr16-70954915-G-T.
Other names: short protein forms P2455Q.
Identifiers: ClinVar variation 402954 (VCV000402954.9), dbSNP rs1798531, ClinGen allele CA8149984.